The following is an entry in ClinVar:

ClinVar aggregate classification (germline): Uncertain significance (1 of 4 stars; one submission).

Conditions:
Developmental and epileptic encephalopathy, 42 (DEE42A). Also called: DEVELOPMENTAL AND EPILEPTIC ENCEPHALOPATHY 42A; EPILEPTIC ENCEPHALOPATHY, EARLY INFANTILE, 42A; Epileptic encephalopathy, early infantile, 42. Identifiers: MedGen C4310716, MONDO:0014917, OMIM 617106.

Allele frequency attached by ClinVar (database versions not stated): gnomAD exomes below 0.00001.
gnomAD v4.1: 1 of 1,613,954 alleles (0.000062%); highest among the groups gnomAD compares: Admixed American, 0.0017%; no homozygotes.

Submission:

New York Genome Center
Classification: Uncertain significance for Developmental and epileptic encephalopathy, 42. Last evaluated: 2021-08-20. Review status: criteria provided, single submitter. Criteria: NYGC Assertion Criteria 2020. Collection method: clinical testing. Allele origin: germline. Observed: 1 heterozygote. Study: CSER-NYCKidSeq.
Comment: The c.3643A>G (p.Lys1215Glu) variant identified in the CACNA1A gene substitutes a very well conserved Lysine for Glutamine at amino acid1215/2507 (exon 21/47) for transcript NM_001127222.2. CACNA1A is an alternatively spliced transcript with multiple isoforms, and this variant is also called c.3646A>G if annotated from transcript NM_001127221.2 (NP_001120693.1:p.Lys1216Glu). This variant is absent from gnomAD(v3.1.1) and found with low frequency ingnomAD(v2.1.1) (1 heterozygote, 0 homozygotes; allele frequency: 4.05e-6) suggesting it is not a common benign variant in the populations represented in these databases. In silico algorithms predict this variant to be Damaging (SIFT; score: 0.001) and Benign (REVEL; score:0.194) to the function of the canonical transcript. This variant is absent from ClinVar and to our current knowledge has not been reported in affected individuals in the literature. The p.Lys1215 residue is not within a mapped domain of CACNA1A (UniProtKB:O00555). Given the lack of compelling evidence for its pathogenicity, the c.3643A>G (p.Lys1215Glu) variant identified in the CACNA1A gene is reported as a Variant of Uncertain Significance.

NM_001127222.2(CACNA1A):c.3643A>G (p.Lys1215Glu)

Gene: CACNA1A (calcium voltage-gated channel subunit alpha1 A; minus strand). Cytogenetic location: 19p13.13.
Variant type: single nucleotide variant.
Coding change: c.3643A>G on transcript NM_001127222.2 (MANE Select); coding-DNA position 3643, A replaced by G.
Protein change: p.Lys1215Glu; replaces lysine 1215 with glutamic acid.
Molecular consequence: missense variant.
Genome position (GRCh38, 1-based): chr19:13,285,117, T>C on the plus strand (A>G on the coding strand, the complement: CACNA1A is on the minus strand). VCF-style: chr19-13285117-T-C. GRCh37 (hg19) VCF-style: chr19-13395931-T-C.
Other names: c.3655A>G, p.Lys1219Glu (NM_000068.4, NM_023035.3); c.3646A>G, p.Lys1216Glu (NM_001127221.2, NM_001174080.2); short protein forms K1215E, K1216E, K1219E.
Identifiers: ClinVar variation 1701733 (VCV001701733.1), dbSNP rs1476884019, ClinGen allele CA404340931.